The following is an entry in ClinVar:

NM_206933.4(USH2A):c.6565A>G (p.Ile2189Val)

Gene: USH2A (usherin; minus strand). Cytogenetic location: 1q41.
Variant type: single nucleotide variant.
Coding change: c.6565A>G on transcript NM_206933.4 (MANE Select); coding-DNA position 6565, A replaced by G.
Protein change: p.Ile2189Val; replaces isoleucine 2189 with valine.
Molecular consequence: missense variant.
Genome position (GRCh38, 1-based): chr1:215,998,979, T>C on the plus strand (A>G on the coding strand, the complement: USH2A is on the minus strand). VCF-style: chr1-215998979-T-C. GRCh37 (hg19) VCF-style: chr1-216172321-T-C.
Other names: short protein forms I2189V.
Identifiers: ClinVar variation 228220 (VCV000228220.18), dbSNP rs542406401, ClinGen allele CA1395103.

ClinVar aggregate classification (germline): Conflicting classifications of pathogenicity. Review status: criteria provided, conflicting classifications (1 of 4 stars). 6 submissions from 6 submitters: Uncertain significance (2); Likely benign (2). 2 of the submissions do not count toward it. Last evaluated 2025-11-06.

Conditions:
USH2A-related disorder. Also called: USH2A-related condition; USH2A-related disorders. Identifiers: MedGen CN239332.
Retinitis pigmentosa 39 (RP39). Identifiers: Orphanet 791, MedGen C3151138, MONDO:0013436, OMIM 613809.
Usher syndrome type 2A. Also called: USHER SYNDROME, TYPE IIA; RETINAL DISEASE IN USHER SYNDROME TYPE IIA, MODIFIER OF. Identifiers: Orphanet 231178, Orphanet 886, MedGen C1848634, MONDO:0010169, OMIM 276901.

Allele frequency attached by ClinVar (database versions not stated): gnomAD below 0.00001 and 0.00007; TOPMed 0.00002; gnomAD exomes 0.00007 and 0.00013; ExAC 0.00012; 1000 Genomes Project 30x 0.00062; 1000 Genomes Project 0.00080.
gnomAD v4.1: 118 of 1,613,050 alleles (0.0073%); highest among the groups gnomAD compares: South Asian, 0.12%; no homozygotes.

Submissions (6):

Labcorp Genetics (formerly Invitae), Labcorp
Classification: Likely benign. Last evaluated: 2025-11-06. Review status: criteria provided, single submitter. Criteria: Invitae Variant Classification Sherloc (09022015). Collection method: clinical testing. Allele origin: germline.

PreventionGenetics, part of Exact Sciences
Classification: Uncertain significance for USH2A-related condition. Last evaluated: 2025-11-05. Review status: criteria provided, single submitter. Criteria: ACMG Guidelines, 2015. Collection method: clinical testing. Allele origin: germline.
Comment: The USH2A c.6565A>G variant is predicted to result in the amino acid substitution p.Ile2189Val. To our knowledge, this variant has not been reported in the literature. This variant is reported in 0.098% of alleles in individuals of South Asian descent in gnomAD. Although we suspect that this variant may be benign, at this time, the clinical significance of this variant is uncertain due to the absence of conclusive functional and genetic evidence.

Blueprint Genetics
Classification: Uncertain significance. Last evaluated: 2024-11-18. Review status: criteria provided, single submitter. Criteria: ACMG Guidelines, 2015. Collection method: clinical testing. Allele origin: germline.

Laboratory for Molecular Medicine, Mass General Brigham Personalized Medicine
Classification: Likely benign. Last evaluated: 2015-07-05. Review status: criteria provided, single submitter. Criteria: LMM Criteria. Collection method: clinical testing. Allele origin: germline. Observed: 1 variant allele.
Comment: p.Ile2189Val in exon 34 of USH2A: This variant is not expected to have clinical significance because the isoleucine (Ile) residue at position 2189 is not conser ved through species, with >10 mammals having a valine (Val) at this position. It has been identified in 15/16504 South Asian chromosomes by the Exome Aggregatio n Consortium (ExAC; dbSNP rs542406401).

Natera, Inc.
Classification: Uncertain significance for Usher syndrome type 2A. Last evaluated: 2019-11-07. Review status: no assertion criteria provided. Collection method: clinical testing. Allele origin: germline. Not counted in ClinVar's aggregate classification.

Counsyl
Classification: Uncertain significance for Usher syndrome type 2A; Retinitis pigmentosa 39. Last evaluated: 2017-05-10. Review status: no assertion criteria provided. Collection method: clinical testing. Allele origin: unknown. Not counted in ClinVar's aggregate classification.